The following is an entry in ClinVar:

NM_002474.3(MYH11):c.1212G>C (p.Gly404=)

Gene: MYH11 (myosin heavy chain 11; minus strand). Cytogenetic location: 16p13.11.
Variant type: single nucleotide variant.
Coding change: c.1212G>C on transcript NM_002474.3 (MANE Select); coding-DNA position 1212, G replaced by C.
Protein change: p.Gly404=; no amino-acid change (glycine 404 retained).
Molecular consequence: synonymous variant.
Genome position (GRCh38, 1-based): chr16:15,760,576, C>G on the plus strand (G>C on the coding strand, the complement: MYH11 is on the minus strand). VCF-style: chr16-15760576-C-G. GRCh37 (hg19) VCF-style: chr16-15854433-C-G.
Other names: p.G404G:GGG>GGC; c.1233G>C, p.Gly411= (NM_001040113.2, NM_001040114.2); c.1212G>C, p.Gly404= (NM_022844.3).
Identifiers: ClinVar variation 138370 (VCV000138370.97), dbSNP rs201198815, ClinGen allele CA292364.

ClinVar aggregate classification (germline): Conflicting classifications of pathogenicity. Review status: criteria provided, conflicting classifications (1 of 4 stars). 9 submissions from 9 submitters: Uncertain significance (1); Benign (3); Likely benign (5). Last evaluated 2026-03-27.

Conditions:
Familial thoracic aortic aneurysm and aortic dissection (TAAD). Also called: Thoracic aortic aneurysms and dissections. Identifiers: Orphanet 91387, MedGen C4707243, MONDO:0019625.
Aortic aneurysm, familial thoracic 4 (AAT4). Also called: AORTIC ANEURYSM/AORTIC DISSECTION AND PATENT DUCTUS ARTERIOSUS. Identifiers: MedGen C1851504, MONDO:0007568, OMIM 132900.

Allele frequency attached by ClinVar (database versions not stated): gnomAD 0.00015 and 0.00017; TOPMed 0.00016; ExAC 0.00019; gnomAD exomes 0.00031.
gnomAD v4.1: 265 of 1,613,948 alleles (0.016%); highest among the groups gnomAD compares: Non-Finnish European, 0.0057%; 1 homozygote.

Submissions (9):

Molecular Diagnostic Laboratory for Inherited Cardiovascular Disease, Montreal Heart Institute
Classification: Likely benign. Last evaluated: 2026-03-27. Review status: criteria provided, single submitter. Criteria: ACMG Guidelines, 2015. Collection method: clinical testing. Allele origin: germline. Affected: no.
Comment: BS1;BP7

Labcorp Genetics (formerly Invitae), Labcorp
Classification: Likely benign for Aortic aneurysm, familial thoracic 4. Last evaluated: 2026-02-02. Review status: criteria provided, single submitter. Criteria: Invitae Variant Classification Sherloc (09022015). Collection method: clinical testing. Allele origin: germline.

CeGaT Center for Human Genetics Tuebingen
Classification: Likely benign. Last evaluated: 2025-11-01. Review status: criteria provided, single submitter. Criteria: CeGaT Center For Human Genetics Tuebingen Variant Classification Criteria Version 2. Collection method: clinical testing. Allele origin: germline. Affected: yes. Observed: 16 variant alleles.
Comment: MYH11: BP4, BP7

Blueprint Genetics
Classification: Likely benign. Last evaluated: 2024-11-08. Review status: criteria provided, single submitter. Criteria: ACMG Guidelines, 2015. Collection method: clinical testing. Allele origin: germline.

All of Us Research Program, National Institutes of Health
Classification: Benign for Familial thoracic aortic aneurysm and aortic dissection. Last evaluated: 2024-02-05. Review status: criteria provided, single submitter. Criteria: ACMG Guidelines, 2015. Collection method: clinical testing. Allele origin: germline. Inheritance: Autosomal dominant inheritance. Observed: 87 variant alleles, 87 heterozygotes.
Comment: This study involves interpretation of variants in research participants for the purpose of population health screening. Participant phenotype was not available at the time of variant classification. Additional details can be found in publication PMID: 35346344, PMCID: PMC8962531

Color Diagnostics, LLC DBA Color Health
Classification: Benign for Familial thoracic aortic aneurysm and aortic dissection. Last evaluated: 2018-03-08. Review status: criteria provided, single submitter. Criteria: ACMG Guidelines, 2015. Collection method: clinical testing. Allele origin: germline.

Illumina Laboratory Services, Illumina
Classification: Uncertain significance for Aortic aneurysm, familial thoracic 4. Last evaluated: 2018-01-13. Review status: criteria provided, single submitter. Criteria: ICSL Variant Classification Criteria 13 December 2019. Collection method: clinical testing. Allele origin: germline.

Ambry Genetics
Classification: Likely benign for Familial thoracic aortic aneurysm and aortic dissection. Last evaluated: 2015-05-15. Review status: criteria provided, single submitter. Criteria: Ambry Variant Classification Scheme 2023. Collection method: clinical testing. Allele origin: germline.

GeneDx
Classification: Benign. Last evaluated: 2014-02-23. Review status: criteria provided, single submitter. Criteria: GeneDx Variant Classification (06012015). Collection method: clinical testing. Allele origin: germline. Affected: yes.
Comment: This variant is considered likely benign or benign based on one or more of the following criteria: it is a conservative change, it occurs at a poorly conserved position in the protein, it is predicted to be benign by multiple in silico algorithms, and/or has population frequency not consistent with disease.